The following is an entry in ClinVar:

NM_033028.5(BBS4):c.1493del (p.Pro498fs)

Gene: BBS4 (Bardet-Biedl syndrome 4; plus strand). Cytogenetic location: 15q24.1.
Variant type: Deletion.
Coding change: c.1493del on transcript NM_033028.5 (MANE Select); coding-DNA position 1493, one base deleted (C; older notation c.1493delC).
Protein change: p.Pro498fs; shifts the reading frame from proline 498.
Molecular consequence: frameshift variant. On other transcripts: non-coding transcript variant (2).
Genome position (GRCh38, 1-based): chr15:72,737,520, C deleted; the last of 2 consecutive C bases (chr15:72,737,519-72,737,520); deleting either gives the same sequence. VCF-style (leftmost placement, unchanged base first): chr15-72737518-TC-T. GRCh37 (hg19) VCF-style: chr15-73029859-TC-T.
Other names: c.977del, p.Pro326fs (NM_001252678.2); c.1424del, p.Pro475fs (NM_001320665.2); short protein forms P326fs, P475fs, P498fs.
Identifiers: ClinVar variation 1027267 (VCV001027267.7), dbSNP rs777455492, ClinGen allele CA7647056.
Genomic context (GRCh38, chr15:72,737,518, plus strand): 5'-AGTTTTTATTTTGTTACTAGGTGCTGGAGGAACATCCCAGTTCACAAAGCCCCCATCTCT[TC>T]CTCTGGAGCCAGAGCCTGCGGTGGAATCAAGTCCAACTGAAACATCAGAACAAATAAGAG-3'

ClinVar aggregate classification (germline): Uncertain significance. Review status: criteria provided, multiple submitters, no conflicts (2 of 4 stars). 3 submissions from 3 submitters: Uncertain significance (3). Last evaluated 2024-04-12.

Conditions:
Bardet-Biedl syndrome 4 (BBS4). Identifiers: Orphanet 110, MedGen C2936864, MONDO:0014433, OMIM 615982.
Bardet-Biedl syndrome (BBS). Identifiers: Orphanet 110, MedGen C0752166, MONDO:0015229.

Submissions (3):

Fulgent Genetics
Classification: Uncertain significance for Bardet-Biedl syndrome 4. Last evaluated: 2024-04-12. Review status: criteria provided, single submitter. Criteria: ACMG Guidelines, 2015. Collection method: clinical testing. Allele origin: germline.

Labcorp Genetics (formerly Invitae), Labcorp
Classification: Uncertain significance for Bardet-Biedl syndrome. Last evaluated: 2022-05-29. Review status: criteria provided, single submitter. Criteria: Invitae Variant Classification Sherloc (09022015). Collection method: clinical testing. Allele origin: germline.
Comment: This sequence change creates a premature translational stop signal (p.Pro498Leufs*19) in the BBS4 gene. While this is not anticipated to result in nonsense mediated decay, it is expected to disrupt the last 22 amino acid(s) of the BBS4 protein. This variant is present in population databases (rs777455492, gnomAD 0.005%). This variant has not been reported in the literature in individuals affected with BBS4-related conditions. ClinVar contains an entry for this variant (Variation ID: 1027267). In summary, the available evidence is currently insufficient to determine the role of this variant in disease. Therefore, it has been classified as a Variant of Uncertain Significance.

Blueprint Genetics
Classification: Uncertain significance. Last evaluated: 2019-03-06. Review status: criteria provided, single submitter. Criteria: ACMG Guidelines, 2015. Collection method: clinical testing. Allele origin: germline.